The following is an entry in ClinVar:

ClinVar aggregate classification (germline): Benign (1 of 4 stars; one submission).

Allele frequency attached by ClinVar (database versions not stated): 1000 Genomes Project 30x 0.02858; 1000 Genomes Project 0.03335; gnomAD 0.05103; TOPMed 0.05497.
gnomAD v4.1: 8,422 of 140,936 alleles (6%); highest among the groups gnomAD compares: Middle Eastern, 12%; 340 homozygotes.

Submission:

GeneDx
Classification: Benign. Last evaluated: 2018-06-14. Review status: criteria provided, single submitter. Criteria: GeneDx Variant Classification (06012015). Collection method: clinical testing. Allele origin: germline. Affected: yes.
Comment: This variant is considered likely benign or benign based on one or more of the following criteria: it is a conservative change, it occurs at a poorly conserved position in the protein, it is predicted to be benign by multiple in silico algorithms, and/or has population frequency not consistent with disease.

NM_005751.5(AKAP9):c.9730-309G>C

Gene: AKAP9 (A-kinase anchoring protein 9; plus strand). Cytogenetic location: 7q21.2.
Variant type: single nucleotide variant.
Coding change: c.9730-309G>C on transcript NM_005751.5 (MANE Select); 309 bases into the intron before coding-DNA position 9730, G replaced by C.
Molecular consequence: intron variant.
Genome position (GRCh38, 1-based): chr7:92,096,380, G>C. VCF-style: chr7-92096380-G-C. GRCh37 (hg19) VCF-style: chr7-91725694-G-C.
Other names: c.9706-309G>C (NM_147185.3); c.4375-309G>C (NM_001379277.1).
Identifiers: ClinVar variation 669435 (VCV000669435.1), dbSNP rs112060331, ClinGen allele CA161896432.
Genomic context (GRCh38, chr7:92,096,380, plus strand): 5'-CTGAAGTTTTTTTTGTTTTTTTTTTTTTTTTTGAGTCAAAAGTCTCACTCTGTTGCTCAC[G>C]CTGGAGGGCAGTGGTGCAATCTAGGCTCACTGCAACCTCCACCTCCCGGGTTCAAGCAAT-3'